The following is an entry in ClinVar:

ClinVar aggregate classification (germline): Benign. Review status: criteria provided, multiple submitters, no conflicts (2 of 4 stars). 2 submissions from 2 submitters: Benign (2). Last evaluated 2018-06-19.

Allele frequency attached by ClinVar (database versions not stated): gnomAD exomes 0.00222 and 0.00600; ExAC 0.00750; gnomAD 0.02317 and 0.02525; ESP Exome Variant Server 0.02477; 1000 Genomes Project 0.02536; TOPMed 0.02631; 1000 Genomes Project 30x 0.02748.
gnomAD v4.1: 6,860 of 1,597,318 alleles (0.43%); highest among the groups gnomAD compares: African/African-American, 8.1%; 261 homozygotes.

Submissions (2):

GeneDx
Classification: Benign. Last evaluated: 2018-06-19. Review status: criteria provided, single submitter. Criteria: GeneDx Variant Classification (06012015). Collection method: clinical testing. Allele origin: germline. Affected: yes.
Comment: This variant is considered likely benign or benign based on one or more of the following criteria: it is a conservative change, it occurs at a poorly conserved position in the protein, it is predicted to be benign by multiple in silico algorithms, and/or has population frequency not consistent with disease.

Breakthrough Genomics
Classification: Benign. Review status: criteria provided, single submitter. Criteria: ACMG Guidelines, 2015. Collection method: not provided. Allele origin: germline. Inheritance: Autosomal recessive inheritance. Affected: yes.

NM_005506.4(SCARB2):c.118-27G>A

Gene: SCARB2 (scavenger receptor class B member 2; minus strand). Cytogenetic location: 4q21.1.
Variant type: single nucleotide variant.
Coding change: c.118-27G>A on transcript NM_005506.4 (MANE Select); 27 bases into the intron before coding-DNA position 118, G replaced by A.
Molecular consequence: intron variant.
Genome position (GRCh38, 1-based): chr4:76,195,891, C>T on the plus strand (G>A on the coding strand, the complement: SCARB2 is on the minus strand). VCF-style: chr4-76195891-C-T. GRCh37 (hg19) VCF-style: chr4-77117044-C-T.
Other names: c.118-27G>A (NM_001204255.2).
Identifiers: ClinVar variation 670736 (VCV000670736.2), dbSNP rs79180365, ClinGen allele CA2970411.